The following continues an entry in ClinVar:

NM_000278.5(PAX2):c.76dup (p.Val26fs)

Gene: PAX2. ClinVar aggregate classification (germline): Pathogenic. Pathogenic (21).

Submissions 17 to 29 of 29:

Broad Center for Mendelian Genomics, Broad Institute of MIT and Harvard
Classification: Pathogenic for Focal segmental glomerulosclerosis 7. Last evaluated: 2017-06-26. Review status: criteria provided, single submitter. Criteria: ACMG Guidelines, 2015. Collection method: research. Allele origin: germline. Inheritance: Autosomal dominant inheritance. Affected: yes. Observed: 1 variant allele. Study: Broad Institute Center for Mendelian Genomics (CMG).

Juno Genomics, Hangzhou Juno Genomics, Inc
Classification: Pathogenic for Renal coloboma syndrome. Review status: criteria provided, single submitter. Criteria: ACMG Guidelines, 2015. Collection method: clinical testing. Allele origin: germline. Affected: yes.
Comment: Absent from controls (or at extremely low frequency if recessive) in Genome Aggregation Database, Exome Sequencing Project, 1000 Genomes Project, or Exome Aggregation Consortium.;Null variant in a gene where loss of function (LOF) is a known mechanism of disease.;De novo (both maternity and paternity confirmed) in a patient with the disease and no family history.;The prevalence of the variant in affected individuals is significantly increased compared to the prevalence in controls.;Patient's phenotype or family history is highly specific for a disease with a single genetic etiology.

Lifecell International Pvt. Ltd
Classification: Pathogenic for Renal coloboma syndrome. Review status: criteria provided, single submitter. Criteria: ACMG Guidelines, 2015. Collection method: clinical testing. Allele origin: germline. Inheritance: Autosomal dominant inheritance. Affected: yes. Observed: 1 heterozygote.
Comment: A Heterozygous Frameshift variant c.69_70insG in Exon 2 of the PAX2 gene that results in the amino acid substitution p.Val26fs*28 was identified. The observed variant is novel in gnomAD exomes and genomes. The severity of the impact of this variant on the protein is high, based on the effect of the protein and REVEL score . Rare Exome Variant Ensemble Learner (REVEL) is an ensembl method for predicting the pathogenicity of missense variants based on a combination of scores from 13 individual tools: MutPred, FATHMM v2.3, VEST 3.0, PolyPhen-2, SIFT, PROVEAN, MutationAssessor, MutationTaster, LRT, GERP++, SiPhy, phyloP, and phastCons. The REVEL score for an individual missense variant can range from 0 to 1, with higher scores reflecting greater likelihood that the variant is disease-causing. ClinVar has also classified this variant as Pathogenic (Variant ID: 156297). This variant has been identified in individuals associated Papillorenal syndrome (Ohtsubo H et al., 2012). Based on the above evidence this variant has been classified as Pathogenic according to the ACMG guidelines.

Neuberg Centre For Genomic Medicine, NCGM
Classification: Pathogenic for Renal coloboma syndrome. Review status: criteria provided, single submitter. Criteria: ACMG Guidelines, 2015. Collection method: clinical testing. Allele origin: germline. Inheritance: Autosomal dominant inheritance. Affected: yes.
Comment: The frameshift c.76dup p.Val26GlyfsTer28 variant in the PAX2 gene has been reported in individuals affected with Papillorenal syndrome Ohtsubo H et al., 2012. It has also been observed to segregate with disease in related individuals. This variant is reported with the allele frequency 0.002% in the gnomAD Exomes and novel in 1000 Genomes. It is submitted to ClinVar as Pathogenic multiple submissions. This variant causes a frameshift starting with codon Valine 26, changes this amino acid to Glycine residue, and creates a premature Stop codon at position 28 of the new reading frame, denoted p.Val26GlyfsTer28. This variant is predicted to cause loss of normal protein function through protein truncation. Loss of function variants have been previously reported to be disease causing. For these reasons, this variant has been classified as Pathogenic.

Precision Medicine Center, Zhengzhou University
Classification: Pathogenic for Focal segmental glomerulosclerosis 7. Review status: criteria provided, single submitter. Criteria: ACMG Guidelines, 2015. Collection method: research. Allele origin: germline. Affected: yes.
Comment: PVS1:Null variant in the gene with established LOF as a disease mechanism PM2:at extremely low frequency in gnomAD PP3:Multiple lines of computational evidence support a deleterious effect on the gene or gene product

PreventionGenetics, part of Exact Sciences
Classification: Pathogenic for PAX2-related condition. Last evaluated: 2024-04-09. Review status: no assertion criteria provided. Collection method: clinical testing. Allele origin: germline. Not counted in ClinVar's aggregate classification.
Comment: The PAX2 c.76dupG variant is predicted to result in a frameshift and premature protein termination (p.Val26Glyfs*28). This variant has been reported in many individuals to be pathogenic for papillorenal syndrome, renal coloboma syndrome, and congenital anomalies of the kidney and urinary tract (Bower et al. 2012. PubMed ID: 22213154; c.69_70insG in Thomas et al. 2011. PubMed ID: 21380624; Iwafuchi et al. 2016. PubMed ID: 27226968; Sato et al. 2013. PubMed ID: 23966757; Madariaga et al. 2013. PubMed ID: 23539225). Individuals heterozygous for the c.76dup variant have highly variable clinical presentation and interfamilial variability is also observed (see for example Iwafuchi et al. 2016. PubMed ID: 27226968 and Sato et al. 2013. PubMed ID: 23966757). This variant is reported in 0.010% of alleles in individuals of Ashkenazi Jewish descent in gnomAD and is reported in ClinVar by several outside labs as pathogenic. Frameshift variants in PAX2 are expected to be pathogenic. This variant is interpreted as pathogenic.

Sydney Genome Diagnostics, Children's Hospital Westmead
Classification: Pathogenic for Congenital anomaly of kidney and urinary tract. Last evaluated: 2019-05-27. Review status: no assertion criteria provided. Collection method: clinical testing. Allele origin: unknown. Affected: yes. Observed: 1 variant allele, 1 heterozygote. Not counted in ClinVar's aggregate classification.
Comment: This frameshifting variant is predicted to create a premature stop codon p.(Val26Glyfs*28) and may result in a null allele due to nonsense-mediated mRNA decay. The variant has been widely reported to be a papillorenal syndrome causing variant (OMIM * 167409; Bower et al Hum Mutat. 2012 Mar;33(3):457-66; Amiel et al Eur J Hum Genet. 2000 Nov;8(11):820-6). This variant is considered to be pathogenic according to the ACMG guidelines.

Yale Center for Mendelian Genomics, Yale University
Classification: Likely pathogenic for Steroid-resistant nephrotic syndrome; Focal segmental glomerulosclerosis. Last evaluated: 2019-04-17. Review status: no assertion criteria provided. Collection method: literature only. Allele origin: germline. Affected: yes. Observed: 1 heterozygote. Study: Yale Center for Mendelian Genomics. Not counted in ClinVar's aggregate classification.

OMIM
Classification: Pathogenic for PAPILLORENAL SYNDROME. Last evaluated: 2012-03-01. Review status: no assertion criteria provided. Collection method: literature only. Allele origin: germline. Not counted in ClinVar's aggregate classification.

ClinVar Staff, National Center for Biotechnology Information (NCBI)
No classification provided. Review status: no classification provided. Collection method: not provided. Allele origin: unknown. Not counted in ClinVar's aggregate classification.
Comment: Based on information supplied by Graeme Grimes.

Diagnostic Laboratory, Department of Genetics, University Medical Center Groningen
Classification: Pathogenic. Review status: no assertion criteria provided. Collection method: clinical testing. Allele origin: germline. Affected: yes. Study: VKGL Data-share Consensus. Not counted in ClinVar's aggregate classification.

GeneReviews
No classification provided. Condition: Renal coloboma syndrome. Review status: no classification provided. Collection method: literature only. Allele origin: germline. Affected: yes. Not counted in ClinVar's aggregate classification.

Laboratory of Diagnostic Genome Analysis, Leiden University Medical Center (LUMC)
Classification: Pathogenic. Review status: no assertion criteria provided. Collection method: clinical testing. Allele origin: germline. Affected: yes. Study: VKGL Data-share Consensus. Not counted in ClinVar's aggregate classification.

Literature cited by the submitters: PubMed 11461952 (cited by Labcorp Genetics (formerly Invitae), Labcorp); PubMed 24676634 (cited by Labcorp Genetics (formerly Invitae), Labcorp); PubMed 35444690 (cited by Labcorp Genetics (formerly Invitae), Labcorp); PubMed 24429398 (cited by Labcorp Genetics (formerly Invitae), Labcorp); PubMed 27226968 (cited by Labcorp Genetics (formerly Invitae), Labcorp); PubMed 8589702 (cited by 3billion and OMIM); PubMed 32203253 (cited by Molecular Genetics, Royal Melbourne Hospital); PubMed 34696790 (cited by Molecular Genetics, Royal Melbourne Hospital); PubMed 33532864 (cited by Molecular Biology Laboratory, Fundació Puigvert); PubMed 22350371 (cited by Lifecell International Pvt. Ltd); PubMed 31001663 (cited by Yale Center for Mendelian Genomics, Yale University); PubMed 3377002 (cited by OMIM); PubMed 9106533 (cited by OMIM); Tellier, A.-L., Amiel, J., Salomon, R., Jolly, D., Delezoide, A.-L., Auge, J., Gubler, M.-C., Munnich, A., Lyonnet, S., Antignac, C., Vekemans, M., Broyer, M., Attie-Bitach, T. PAX2 expression during early human development and its mutations in renal hypoplasia with or without coloboma. (Abstract) Am. J. Hum. Genet. 63 (suppl.): A7-only, 1998. (cited by OMIM); PubMed 11093271 (cited by OMIM); PubMed 11241473 (cited by OMIM); PubMed 22213154 (cited by OMIM); NCBI Bookshelf NBK1451 (cited by GeneReviews).